The following is an entry in ClinVar:

ClinVar aggregate classification (germline): Uncertain significance (1 of 4 stars; one submission).

Conditions:
Shprintzen-Goldberg syndrome (SGS). Also called: SHPRINTZEN-GOLDBERG CRANIOSYNOSTOSIS SYNDROME; CRANIOSYNOSTOSIS WITH ARACHNODACTYLY AND ABDOMINAL HERNIAS; Marfanoid disorder with craniosynostosis type 1; Marfanoid craniosynostosis syndrome; Shprintzen-Goldberg marfanoid syndrome. Identifiers: Orphanet 2462, MedGen C1321551, MONDO:0008426, OMIM 182212.

Allele frequency attached by ClinVar (database versions not stated): gnomAD exomes below 0.00001; TOPMed below 0.00001.
gnomAD v4.1: 4 of 1,602,216 alleles (0.00025%); highest among the groups gnomAD compares: Non-Finnish European, 0.00017%; no homozygotes.

Submission:

Labcorp Genetics (formerly Invitae), Labcorp
Classification: Uncertain significance for Shprintzen-Goldberg syndrome. Last evaluated: 2025-12-24. Review status: criteria provided, single submitter. Criteria: Invitae Variant Classification Sherloc (09022015). Collection method: clinical testing. Allele origin: germline.
Comment: This sequence change replaces arginine, which is basic and polar, with cysteine, which is neutral and slightly polar, at codon 610 of the SKI protein (p.Arg610Cys). The frequency data for this variant in the population databases is considered unreliable, as metrics indicate poor data quality at this position in the gnomAD database. This variant has not been reported in the literature in individuals affected with SKI-related conditions. ClinVar contains an entry for this variant (Variation ID: 532217). Invitae Evidence Modeling of protein sequence and biophysical properties (such as structural, functional, and spatial information, amino acid conservation, physicochemical variation, residue mobility, and thermodynamic stability) indicates that this missense variant is expected to disrupt SKI protein function with a positive predictive value of 95%. In summary, the available evidence is currently insufficient to determine the role of this variant in disease. Therefore, it has been classified as a Variant of Uncertain Significance.

NM_003036.4(SKI):c.1828C>T (p.Arg610Cys)

Gene: SKI (SKI proto-oncogene; plus strand). Cytogenetic location: 1p36.32.
Variant type: single nucleotide variant.
Coding change: c.1828C>T on transcript NM_003036.4 (MANE Select); coding-DNA position 1828, C replaced by T.
Protein change: p.Arg610Cys; replaces arginine 610 with cysteine.
Molecular consequence: missense variant.
Genome position (GRCh38, 1-based): chr1:2,306,080, C>T. VCF-style: chr1-2306080-C-T. GRCh37 (hg19) VCF-style: chr1-2237519-C-T.
Other names: short protein forms R610C.
Identifiers: ClinVar variation 532217 (VCV000532217.8), dbSNP rs863223727, ClinGen allele CA337958688.